The following is an entry in ClinVar:

NM_001083614.2(EARS2):c.63C>T (p.Pro21=)

Genes: EARS2 (glutamyl-tRNA synthetase 2, mitochondrial; minus strand), LOC130058664 (ATAC-STARR-seq lymphoblastoid active region 10583; plus strand). Cytogenetic location: 16p12.2.
Variant type: single nucleotide variant.
Coding change: c.63C>T on transcript NM_001083614.2 (MANE Select); coding-DNA position 63, C replaced by T.
Protein change: p.Pro21=; no amino-acid change (proline 21 retained).
Molecular consequence: synonymous variant. On other transcripts: non-coding transcript variant (1).
Genome position (GRCh38, 1-based): chr16:23,557,281, G>A on the plus strand (C>T on the coding strand, the complement: EARS2 is on the minus strand). VCF-style: chr16-23557281-G-A. GRCh37 (hg19) VCF-style: chr16-23568602-G-A.
Other names: c.63C>T, p.Pro21= (NM_001308211.1).
Identifiers: ClinVar variation 382026 (VCV000382026.14), dbSNP rs113410455, ClinGen allele CA7962755.

ClinVar aggregate classification (germline): Likely benign. Review status: criteria provided, multiple submitters, no conflicts (2 of 4 stars). 5 submissions from 5 submitters: Likely benign (4). 1 of the submissions does not count toward it. Last evaluated 2025-06-20.

Conditions:
EARS2-related disorder. Also called: EARS2-related disorders; EARS2-related condition.

Allele frequency attached by ClinVar (database versions not stated): TOPMed 0.00042; 1000 Genomes Project 30x 0.00062; 1000 Genomes Project 0.00080.
gnomAD v4.1: 174 of 1,516,902 alleles (0.011%); highest among the groups gnomAD compares: African/African-American, 0.2%; 1 homozygote.

Submissions (5):

Labcorp Genetics (formerly Invitae), Labcorp
Classification: Likely benign. Last evaluated: 2025-06-20. Review status: criteria provided, single submitter. Criteria: Invitae Variant Classification Sherloc (09022015). Collection method: clinical testing. Allele origin: germline.

Blueprint Genetics
Classification: Likely benign. Last evaluated: 2024-07-14. Review status: criteria provided, single submitter. Criteria: ACMG Guidelines, 2015. Collection method: clinical testing. Allele origin: germline.

GeneDx
Classification: Likely benign. Last evaluated: 2018-05-18. Review status: criteria provided, single submitter. Criteria: GeneDx Variant Classification Process June 2021. Collection method: clinical testing. Allele origin: germline. Affected: yes.

Breakthrough Genomics
Classification: Likely benign. Review status: criteria provided, single submitter. Criteria: ACMG Guidelines, 2015. Collection method: not provided. Allele origin: germline. Inheritance: Autosomal recessive inheritance. Affected: yes.

PreventionGenetics, part of Exact Sciences
Classification: Likely benign for EARS2-related condition. Last evaluated: 2020-04-03. Review status: no assertion criteria provided. Collection method: clinical testing. Allele origin: germline. Not counted in ClinVar's aggregate classification.
Comment: This variant is classified as likely benign based on ACMG/AMP sequence variant interpretation guidelines (Richards et al. 2015 PMID: 25741868, with internal and published modifications).